The following is an entry in ClinVar:

NM_006231.4(POLE):c.2661_2680del (p.Val888fs)

Gene: POLE (DNA polymerase epsilon, catalytic subunit; minus strand). Cytogenetic location: 12q24.33.
Variant type: Deletion.
Coding change: c.2661_2680del on transcript NM_006231.4 (MANE Select); coding-DNA positions 2661 to 2680, 20 bases deleted (AGTGACCATCTCCTACCCAG).
Protein change: p.Val888fs; shifts the reading frame from valine 888.
Molecular consequence: frameshift variant.
Genome position (GRCh38, 1-based): chr12:132,664,030-132,664,049, CTGGGTAGGAGATGGTCACT deleted on the plus strand (AGTGACCATCTCCTACCCAG on the coding strand, the reverse complement: POLE is on the minus strand). VCF-style (leftmost placement, unchanged base first): chr12-132664029-CCTGGGTAGGAGATGGTCACT-C. GRCh37 (hg19) VCF-style: chr12-133240615-CCTGGGTAGGAGATGGTCACT-C.
Other names: short protein forms V888fs.
Identifiers: ClinVar variation 3781525 (VCV003781525.1).

ClinVar aggregate classification (germline): Uncertain significance (1 of 4 stars; one submission).

Conditions:
Hereditary cancer-predisposing syndrome. Also called: Neoplastic Syndromes, Hereditary; Hereditary Cancer Syndrome; Tumor predisposition; Hereditary neoplastic syndrome. Identifiers: Orphanet 140162, MedGen C0027672, MeSH D009386, MONDO:0015356.

Submission:

Ambry Genetics
Classification: Uncertain significance for Hereditary cancer-predisposing syndrome. Last evaluated: 2024-12-19. Review status: criteria provided, single submitter. Criteria: Ambry Variant Classification Scheme 2023. Collection method: clinical testing. Allele origin: germline.
Comment: The c.2661_2680del20 variant, located in coding exon 23 of the POLE gene, results from a deletion of 20 nucleotides at nucleotide positions 2661 to 2680, causing a translational frameshift with a predicted alternate stop codon (p.V888Rfs*14). This alteration is expected to result in loss of function by premature protein truncation or nonsense-mediated mRNA decay. Loss-of-function variants subject to nonsense mediated decay (NMD) in POLE are known to cause POLE deficiency; however, such associations with POLE-related polymerase proofreading-associated polyposis (PPAP) have not been reported. Based on the supporting evidence, this alteration is pathogenic for POLE deficiency; however, the association of this alteration with POLE-related PPAP is unknown.